The following is an entry in ClinVar:

NM_001378030.1(CCDC78):c.356C>A (p.Pro119His)

Gene: CCDC78 (coiled-coil domain containing 78; minus strand). Cytogenetic location: 16p13.3.
Variant type: single nucleotide variant.
Coding change: c.356C>A on transcript NM_001378030.1 (MANE Select); coding-DNA position 356, C replaced by A.
Protein change: p.Pro119His; replaces proline 119 with histidine.
Molecular consequence: missense variant. On other transcripts: non-coding transcript variant (5), intron variant (1).
Genome position (GRCh38, 1-based): chr16:725,492, G>T on the plus strand (C>A on the coding strand, the complement: CCDC78 is on the minus strand). VCF-style: chr16-725492-G-T. GRCh37 (hg19) VCF-style: chr16-775492-G-T.
Other names: c.356C>A, p.Pro119His (NM_001031737.3, NM_001378031.1); c.-18-199C>A (NM_001378033.1); short protein forms P119H.
Identifiers: ClinVar variation 473255 (VCV000473255.9), dbSNP rs750379614, ClinGen allele CA7789641.

ClinVar aggregate classification (germline): Uncertain significance (1 of 4 stars; one submission).

Conditions:
Congenital myopathy with internal nuclei and atypical cores. Also called: Myopathy, centronuclear, 4. Identifiers: Orphanet 319160, MedGen C4707232, MONDO:0013890, OMIM 614807.

Allele frequency attached by ClinVar (database versions not stated): gnomAD exomes below 0.00001; ExAC 0.00001.
gnomAD v4.1: 1 of 1,612,688 alleles (0.000062%); highest among the groups gnomAD compares: Non-Finnish European, 0.000085%; no homozygotes.

Submission:

Labcorp Genetics (formerly Invitae), Labcorp
Classification: Uncertain significance for Congenital myopathy with internal nuclei and atypical cores. Last evaluated: 2020-09-14. Review status: criteria provided, single submitter. Criteria: Invitae Variant Classification Sherloc (09022015). Collection method: clinical testing. Allele origin: germline.
Comment: In summary, this variant is a rare missense change with uncertain impact on protein function. There is no indication that it causes disease, but the available evidence is currently insufficient to prove that conclusively. Therefore, it has been classified as a Variant of Uncertain Significance. Algorithms developed to predict the effect of missense changes on protein structure and function do not agree on the potential impact of this missense change (SIFT: "Tolerated"; PolyPhen-2: "Probably Damaging"; Align-GVGD: "Class C0"). This variant is present in population databases (rs750379614, ExAC 0.002%) but has not been reported in the literature in individuals with a CCDC78-related disease. This sequence change replaces proline with histidine at codon 119 of the CCDC78 protein (p.Pro119His). The proline residue is moderately conserved and there is a moderate physicochemical difference between proline and histidine.